The following is an entry in ClinVar:

NM_000322.5(PRPH2):c.494G>A (p.Cys165Tyr)

Gene: PRPH2 (peripherin 2; minus strand). Cytogenetic location: 6p21.1.
Variant type: single nucleotide variant.
Coding change: c.494G>A on transcript NM_000322.5 (MANE Select); coding-DNA position 494, G replaced by A.
Protein change: p.Cys165Tyr; replaces cysteine 165 with tyrosine.
Molecular consequence: missense variant.
Genome position (GRCh38, 1-based): chr6:42,721,841, C>T on the plus strand (G>A on the coding strand, the complement: PRPH2 is on the minus strand). VCF-style: chr6-42721841-C-T. GRCh37 (hg19) VCF-style: chr6-42689579-C-T.
Other names: short protein forms C165Y.
Identifiers: ClinVar variation 98672 (VCV000098672.8), dbSNP rs61755788, ClinGen allele CA226240.
Genomic context (GRCh38, chr6:42,721,841, plus strand): 5'-AGGTAGCGATTGCTGATCCACTGAATCTCAAACCAGTCCCGAAAACCGTTGTTGCCGCAG[C>T]ATTTGAACTCGATCTGCAGCATGTCGATGGTCTTCTTCATGAAACACCTGCCAGGGGTGT-3'
Protein context (NP_000313.2, residues 155-175): TIDMLQIEFK[Cys165Tyr]CGNNGFRDWF

ClinVar aggregate classification (germline): Pathogenic. Review status: criteria provided, single submitter (1 of 4 stars). 3 submissions from 3 submitters: Pathogenic (1). 2 of the submissions do not count toward it. Last evaluated 2022-09-02.

Conditions:
PRPH2-related disorder. Also called: PRPH2-related condition; PRPH2-related disorders. Identifiers: MedGen CN239395.

Submissions (3):

Labcorp Genetics (formerly Invitae), Labcorp
Classification: Pathogenic for PRPH2-related disorder. Last evaluated: 2022-09-02. Review status: criteria provided, single submitter. Criteria: Invitae Variant Classification Sherloc (09022015). Collection method: clinical testing. Allele origin: germline.
Comment: Advanced modeling of protein sequence and biophysical properties (such as structural, functional, and spatial information, amino acid conservation, physicochemical variation, residue mobility, and thermodynamic stability) performed at Invitae indicates that this missense variant is expected to disrupt PRPH2 protein function. For these reasons, this variant has been classified as Pathogenic. Experimental studies have shown that this missense change affects PRPH2 function (PMID: 10747861). ClinVar contains an entry for this variant (Variation ID: 98672). This missense change has been observed in individuals with autosomal dominant retinitis pigmentosa (PMID: 9673478, 25447119). It has also been observed to segregate with disease in related individuals. This variant is not present in population databases (gnomAD no frequency). This sequence change replaces cysteine, which is neutral and slightly polar, with tyrosine, which is neutral and polar, at codon 165 of the PRPH2 protein (p.Cys165Tyr).

Leiden Open Variation Database
Classification: Likely pathogenic. Last evaluated: 2021-04-06. Review status: no assertion criteria provided. Collection method: curation. Allele origin: germline. Affected: yes. Not counted in ClinVar's aggregate classification.
Comment: Curator: Global Variome, with Curator vacancy. Submitter to LOVD: Manon Peeters.

Retina International
No classification provided. Review status: no classification provided. Collection method: not provided. Allele origin: not provided. Not counted in ClinVar's aggregate classification.

Literature cited by the submitters: PubMed 10747861 (cited by Labcorp Genetics (formerly Invitae), Labcorp); PubMed 9673478 (cited by Labcorp Genetics (formerly Invitae), Labcorp and Leiden Open Variation Database); PubMed 25447119 (cited by Labcorp Genetics (formerly Invitae), Labcorp and Leiden Open Variation Database).